The following is an entry in ClinVar:

NM_145207.3(AFG2A):c.2145_2151del (p.Ala716fs)

Gene: AFG2A (AAA ATPase AFG2A; plus strand). Cytogenetic location: 4q28.1.
Variant type: Deletion.
Coding change: c.2145_2151del on transcript NM_145207.3 (MANE Select); coding-DNA positions 2145 to 2151, 7 bases deleted (AGCAAGA; older notation c.2145_2151delAGCAAGA).
Protein change: p.Ala716fs; shifts the reading frame from alanine 716.
Molecular consequence: frameshift variant.
Genome position (GRCh38, 1-based): chr4:123,057,220-123,057,226, AGCAAGA deleted; deleting any 7 consecutive bases within chr4:123,057,219-123,057,226 gives the same sequence; the c. name uses the placement nearest the transcript's 3' end. VCF-style (leftmost placement, unchanged base first): chr4-123057218-AAAGCAAG-A. GRCh37 (hg19) VCF-style: chr4-123978373-AAAGCAAG-A.
Other names: c.2142_2148del, p.Ala715fs (NM_001345856.2); short protein forms A715fs, A716fs.
Identifiers: ClinVar variation 934221 (VCV000934221.6), dbSNP rs1730784665, ClinGen allele CA1139658647.

ClinVar aggregate classification (germline): Pathogenic (1 of 4 stars; one submission).

Conditions:
Microcephaly-intellectual disability-sensorineural hearing loss-epilepsy-abnormal muscle tone syndrome (NEDHSB). Also called: NEURODEVELOPMENTAL DISORDER WITH HEARING LOSS, SEIZURES, AND BRAIN ABNORMALITIES. Identifiers: Orphanet 457351, MedGen C4225276, MONDO:0014698, OMIM 616577.

Submission:

Labcorp Genetics (formerly Invitae), Labcorp
Classification: Pathogenic for Microcephaly-intellectual disability-sensorineural hearing loss-epilepsy-abnormal muscle tone syndrome. Last evaluated: 2019-08-27. Review status: criteria provided, single submitter. Criteria: Invitae Variant Classification Sherloc (09022015). Collection method: clinical testing. Allele origin: germline.
Comment: For these reasons, this variant has been classified as Pathogenic. Loss-of-function variants in SPATA5 are known to be pathogenic (PMID: 26299366). This variant has not been reported in the literature in individuals with SPATA5-related conditions. This variant is not present in population databases (ExAC no frequency). This sequence change creates a premature translational stop signal (p.Ala716Glnfs*15) in the SPATA5 gene. It is expected to result in an absent or disrupted protein product.

Literature cited by the submitters: PubMed 26299366.